The following is an entry in ClinVar:

NM_177550.5(SLC13A5):c.454G>C (p.Val152Leu)

Gene: SLC13A5 (solute carrier family 13 member 5; minus strand). Cytogenetic location: 17p13.1.
Variant type: single nucleotide variant.
Coding change: c.454G>C on transcript NM_177550.5 (MANE Select); coding-DNA position 454, G replaced by C.
Protein change: p.Val152Leu; replaces valine 152 with leucine.
Molecular consequence: missense variant.
Genome position (GRCh38, 1-based): chr17:6,703,971, C>G on the plus strand (G>C on the coding strand, the complement: SLC13A5 is on the minus strand). VCF-style: chr17-6703971-C-G. GRCh37 (hg19) VCF-style: chr17-6607290-C-G.
Other names: c.454G>C, p.Val152Leu (NM_001143838.3); c.403G>C, p.Val135Leu (NM_001284509.2); c.325G>C, p.Val109Leu (NM_001284510.2); short protein forms V135L, V152L, V109L.
Identifiers: ClinVar variation 1992657 (VCV001992657.4), dbSNP rs575033281, ClinGen allele CA397750098.

ClinVar aggregate classification (germline): Uncertain significance (1 of 4 stars; one submission).

Conditions:
Developmental and epileptic encephalopathy, 25 (DEE25). Also called: Epileptic encephalopathy, early infantile, 25; Developmental and epileptic encephalopathy 25, with amelogenesis imperfecta; Epileptic encephalopathy, early infantile, 25, with amelogenesis imperfecta. Identifiers: Orphanet 442835, MedGen C4014621, MONDO:0014392, OMIM 615905.

Submission:

Labcorp Genetics (formerly Invitae), Labcorp
Classification: Uncertain significance for Developmental and epileptic encephalopathy, 25. Last evaluated: 2022-05-10. Review status: criteria provided, single submitter. Criteria: Invitae Variant Classification Sherloc (09022015). Collection method: clinical testing. Allele origin: germline.
Comment: In summary, the available evidence is currently insufficient to determine the role of this variant in disease. Therefore, it has been classified as a Variant of Uncertain Significance. Algorithms developed to predict the effect of missense changes on protein structure and function (SIFT, PolyPhen-2, Align-GVGD) all suggest that this variant is likely to be tolerated. This variant has not been reported in the literature in individuals affected with SLC13A5-related conditions. This variant is not present in population databases (gnomAD no frequency). This sequence change replaces valine, which is neutral and non-polar, with leucine, which is neutral and non-polar, at codon 152 of the SLC13A5 protein (p.Val152Leu).